The following is an entry in ClinVar:

ClinVar aggregate classification (germline): Uncertain significance (1 of 4 stars; one submission).

Conditions:
Hereditary spastic paraplegia 73. Also called: Spastic paraplegia 73, autosomal dominant. Identifiers: Orphanet 444099, MedGen C5568981, MONDO:0014568, OMIM 616282.

Allele frequency attached by ClinVar (database versions not stated): TOPMed below 0.00001; gnomAD 0.00003 and 0.00004; gnomAD exomes 0.00005 and 0.00006; ExAC 0.00008.
gnomAD v4.1: 46 of 1,613,916 alleles (0.0029%); highest among the groups gnomAD compares: Non-Finnish European, 0.00034%; no homozygotes.

Submission:

Labcorp Genetics (formerly Invitae), Labcorp
Classification: Uncertain significance for Hereditary spastic paraplegia 73. Last evaluated: 2021-08-30. Review status: criteria provided, single submitter. Criteria: Invitae Variant Classification Sherloc (09022015). Collection method: clinical testing. Allele origin: germline.
Comment: This sequence change replaces threonine with alanine at codon 590 of the CPT1C protein (p.Thr590Ala). The threonine residue is highly conserved and there is a small physicochemical difference between threonine and alanine. This variant is present in population databases (rs774134053, ExAC 0.08%). This variant has not been reported in the literature in individuals affected with CPT1C-related conditions. Algorithms developed to predict the effect of missense changes on protein structure and function are either unavailable or do not agree on the potential impact of this missense change (SIFT: "Deleterious"; PolyPhen-2: "Probably Damaging"; Align-GVGD: "Class C0"). In summary, the available evidence is currently insufficient to determine the role of this variant in disease. Therefore, it has been classified as a Variant of Uncertain Significance.

NM_001199753.2(CPT1C):c.1801A>G (p.Thr601Ala)

Gene: CPT1C (carnitine palmitoyltransferase 1C; plus strand). Cytogenetic location: 19q13.33.
Variant type: single nucleotide variant.
Coding change: c.1801A>G on transcript NM_001199753.2 (MANE Select); coding-DNA position 1801, A replaced by G.
Protein change: p.Thr601Ala; replaces threonine 601 with alanine.
Molecular consequence: missense variant. On other transcripts: non-coding transcript variant (1), intron variant (3).
Genome position (GRCh38, 1-based): chr19:49,710,792, A>G. VCF-style: chr19-49710792-A-G. GRCh37 (hg19) VCF-style: chr19-50214049-A-G.
Other names: c.1768A>G, p.Thr590Ala (NM_001136052.3, NM_001378485.1); c.1801A>G, p.Thr601Ala (NM_001199752.3, NM_001378483.1, NM_001378484.1 and 1 more transcripts); c.1867A>G, p.Thr623Ala (NM_001378482.1); c.1731+308A>G (NM_001378486.1, NM_001378488.1); c.1698+308A>G (NM_001378487.1); short protein forms T590A, T601A, T623A.
Identifiers: ClinVar variation 542766 (VCV000542766.6), dbSNP rs774134053, ClinGen allele CA9582327.